The following is an entry in ClinVar:

ClinVar aggregate classification (germline): Likely benign. Review status: criteria provided, single submitter (1 of 4 stars). 2 submissions from 2 submitters: Likely benign (1). 1 of the submissions does not count toward it. Last evaluated 2023-03-23.

Conditions:
Hereditary cancer-predisposing syndrome. Also called: Hereditary Cancer Syndrome; Hereditary neoplastic syndrome; Neoplastic Syndromes, Hereditary; Tumor predisposition. Identifiers: Orphanet 140162, MedGen C0027672, MeSH D009386, MONDO:0015356.
Breast-ovarian cancer, familial, susceptibility to, 1 (BROVCA1). Also called: BRCA1 Hereditary Breast and Ovarian Cancer; OVARIAN CANCER, SUSCEPTIBILITY TO. Identifiers: Orphanet 145, MedGen C2676676, MONDO:0011450, OMIM 604370. Disease mechanism: loss of function.

Submissions (2):

University of Washington Department of Laboratory Medicine, University of Washington
Classification: Likely benign for Hereditary cancer-predisposing syndrome. Last evaluated: 2023-03-23. Review status: criteria provided, single submitter. Criteria: Dines et al. (Genet Med. 2020). Collection method: curation. Allele origin: germline.
Comment: Missense variant in a coldspot region where missense variants are very unlikely to be pathogenic (PMID:31911673).

BRCA1 coldspot (exon 11 using historical exon numbering). Reclassification based on statistical prior probability

Breast Cancer Information Core (BIC) (BRCA1)
Classification: Uncertain significance for Breast-ovarian cancer, familial 1. Last evaluated: 1999-06-22. Review status: no assertion criteria provided. Collection method: clinical testing. Allele origin: germline. Affected: yes. Observed: 2 variant alleles. Not counted in ClinVar's aggregate classification.

NM_007294.4(BRCA1):c.3652A>T (p.Ser1218Cys)

Genes: BRCA1 (BRCA1 DNA repair associated; minus strand), LOC126862571 (BRD4-independent group 4 enhancer GRCh37_chr17:41243136-41244335; plus strand). Cytogenetic location: 17q21.31.
Variant type: single nucleotide variant.
Coding change: c.3652A>T on transcript NM_007294.4 (MANE Select); coding-DNA position 3652, A replaced by T.
Protein change: p.Ser1218Cys; replaces serine 1218 with cysteine.
Molecular consequence: missense variant. On other transcripts: intron variant (135).
Genome position (GRCh38, 1-based): chr17:43,091,879, T>A on the plus strand (A>T on the coding strand, the complement: BRCA1 is on the minus strand). VCF-style: chr17-43091879-T-A. GRCh37 (hg19) VCF-style: chr17-41243896-T-A.
Other names: c.3439A>T, p.Ser1147Cys (NM_001407571.1, NM_001407853.1, NM_001407894.1 and 9 more transcripts); c.3652A>T, p.Ser1218Cys (NM_001407581.1, NM_001407582.1, NM_001407583.1 and 30 more transcripts); c.3649A>T, p.Ser1217Cys (NM_001407587.1, NM_001407590.1, NM_001407591.1 and 22 more transcripts); c.3643A>T, p.Ser1215Cys (NM_001407646.1, NM_001407647.1); c.3529A>T, p.Ser1177Cys (NM_001407648.1, NM_001407664.1, NM_001407665.1 and 19 more transcripts); c.3526A>T, p.Ser1176Cys (NM_001407649.1, NM_001407670.1, NM_001407671.1 and 11 more transcripts); c.3574A>T, p.Ser1192Cys (NM_001407653.1, NM_001407654.1, NM_001407655.1 and 4 more transcripts); c.3571A>T, p.Ser1191Cys (NM_001407659.1, NM_001407660.1, NM_001407661.1 and 1 more transcripts); and 41 more; short protein forms S1218C, S1171C, S1050C, S1091C, S1147C, S1150C, S1177C, S1191C.
Identifiers: ClinVar variation 54955 (VCV000054955.5), dbSNP rs80356894, ClinGen allele CA002340.